The following is an entry in ClinVar:

ClinVar aggregate classification (germline): Pathogenic (1 of 4 stars; one submission).

Conditions:
Familial cancer of breast. Also called: BREAST CANCER, FAMILIAL; Hereditary breast cancer; hereditary breast carcinoma. Identifiers: Orphanet 227535, MedGen C0346153, MONDO:0016419, OMIM 114480. Disease mechanism: loss of function.

Submission:

Myriad Genetics, Inc.
Classification: Pathogenic for Familial cancer of breast. Last evaluated: 2024-01-22. Review status: criteria provided, single submitter. Criteria: Myriad Autosomal Dominant, Autosomal Recessive and X-Linked Classification Criteria (2023). Collection method: clinical testing. Allele origin: unknown.
Comment: This variant is considered pathogenic. This variant creates a frameshift predicted to result in premature protein truncation.

NM_000051.4(ATM):c.3470_3479del (p.Leu1157fs)

Gene: ATM (ATM serine/threonine kinase; plus strand). Cytogenetic location: 11q22.3.
Variant type: Deletion.
Coding change: c.3470_3479del on transcript NM_000051.4 (MANE Select); coding-DNA positions 3470 to 3479, 10 bases deleted (TGATAGCTGT; older notation c.3470_3479delTGATAGCTGT).
Protein change: p.Leu1157fs; shifts the reading frame from leucine 1157.
Molecular consequence: frameshift variant.
Genome position (GRCh38, 1-based): chr11:108,281,062-108,281,071, TGATAGCTGT deleted; deleting any 10 consecutive bases within chr11:108,281,060-108,281,071 gives the same sequence; the c. name uses the placement nearest the transcript's 3' end. VCF-style (leftmost placement, unchanged base first): chr11-108281059-CGTTGATAGCT-C. GRCh37 (hg19) VCF-style: chr11-108151786-CGTTGATAGCT-C.
Other names: c.3470_3479del, p.Leu1157fs (NM_001351834.2); short protein forms L1157fs.
Identifiers: ClinVar variation 3148518 (VCV003148518.1), dbSNP rs2546870112, ClinGen allele CA2825001830.